The following is an entry in ClinVar:

ClinVar aggregate classification (germline): Uncertain significance. Review status: criteria provided, multiple submitters, no conflicts (2 of 4 stars). 2 submissions from 2 submitters: Uncertain significance (2). Last evaluated 2022-05-24.

Conditions:
Hereditary cancer-predisposing syndrome. Also called: Neoplastic Syndromes, Hereditary; Tumor predisposition; Hereditary Cancer Syndrome; Hereditary neoplastic syndrome. Identifiers: Orphanet 140162, MedGen C0027672, MeSH D009386, MONDO:0015356.
Gastrointestinal stromal tumor. Also called: Gastrointestinal stromal tumor, somatic; Gastrointestinal stroma tumor. Identifiers: Orphanet 44890, MedGen C0238198, MeSH D046152, MONDO:0011719, OMIM 606764, HP:0100723.

Submissions (2):

Labcorp Genetics (formerly Invitae), Labcorp
Classification: Uncertain significance for Gastrointestinal stromal tumor. Last evaluated: 2022-05-24. Review status: criteria provided, single submitter. Criteria: Invitae Variant Classification Sherloc (09022015). Collection method: clinical testing. Allele origin: germline.
Comment: This variant has not been reported in the literature in individuals affected with PDGFRA-related conditions. In summary, the available evidence is currently insufficient to determine the role of this variant in disease. Therefore, it has been classified as a Variant of Uncertain Significance. Algorithms developed to predict the effect of missense changes on protein structure and function are either unavailable or do not agree on the potential impact of this missense change (SIFT: "Deleterious"; PolyPhen-2: "Possibly Damaging"; Align-GVGD: "Class C0"). This variant is not present in population databases (gnomAD no frequency). This sequence change replaces isoleucine, which is neutral and non-polar, with methionine, which is neutral and non-polar, at codon 370 of the PDGFRA protein (p.Ile370Met).

Ambry Genetics
Classification: Uncertain significance for Hereditary cancer-predisposing syndrome. Last evaluated: 2022-03-27. Review status: criteria provided, single submitter. Criteria: Ambry Variant Classification Scheme 2023. Collection method: clinical testing. Allele origin: germline.
Comment: The p.I370M variant (also known as c.1110T>G), located in coding exon 6 of the PDGFRA gene, results from a T to G substitution at nucleotide position 1110. The isoleucine at codon 370 is replaced by methionine, an amino acid with highly similar properties. This amino acid position is conserved. In addition, this alteration is predicted to be tolerated by in silico analysis. Since supporting evidence is limited at this time, the clinical significance of this alteration remains unclear.

NM_006206.6(PDGFRA):c.1110T>G (p.Ile370Met)

Gene: PDGFRA (platelet derived growth factor receptor alpha; plus strand). Cytogenetic location: 4q12.
Variant type: single nucleotide variant.
Coding change: c.1110T>G on transcript NM_006206.6 (MANE Select); coding-DNA position 1110, T replaced by G.
Protein change: p.Ile370Met; replaces isoleucine 370 with methionine.
Molecular consequence: missense variant.
Genome position (GRCh38, 1-based): chr4:54,267,730, T>G. VCF-style: chr4-54267730-T-G. GRCh37 (hg19) VCF-style: chr4-55133897-T-G.
Other names: c.1110T>G, p.Ile370Met (NM_001347827.2, NM_001347829.2); c.1185T>G, p.Ile395Met (NM_001347828.2); c.1149T>G, p.Ile383Met (NM_001347830.2); short protein forms I383M, I395M, I370M.
Identifiers: ClinVar variation 1795182 (VCV001795182.7), dbSNP rs2475456735, ClinGen allele CA356891821.
Genomic context (GRCh38, chr4:54,267,730, plus strand): 5'-GAAAAACAATCTGACTCTGATTGAAAATCTCACTGAGATCACCACTGATGTGGAAAAGAT[T>G]CAGGAAATAAGGTAAAGAAACTCTCTGCCCAAGTATGCCTTTTTTTAGTGTGCATCAGAG-3'
Protein context (NP_006197.1, residues 360-380): LTEITTDVEK[Ile370Met]QEIRYRSKLK